The following is an entry in ClinVar:

ClinVar aggregate classification (germline): Uncertain significance. Review status: criteria provided, multiple submitters, no conflicts (2 of 4 stars). 2 submissions from 2 submitters: Uncertain significance (2). Last evaluated 2024-11-30.

Submissions (2):

Labcorp Genetics (formerly Invitae), Labcorp
Classification: Uncertain significance. Last evaluated: 2024-11-30. Review status: criteria provided, single submitter. Criteria: Invitae Variant Classification Sherloc (09022015). Collection method: clinical testing. Allele origin: germline.
Comment: This variant, c.44_46del, results in the deletion of 1 amino acid(s) of the COL9A2 protein (p.Leu15del), but otherwise preserves the integrity of the reading frame. This variant is present in population databases (rs764658749, gnomAD 0.005%). This variant has not been reported in the literature in individuals affected with COL9A2-related conditions. ClinVar contains an entry for this variant (Variation ID: 1016908). Experimental studies and prediction algorithms are not available or were not evaluated, and the functional significance of this variant is currently unknown. In summary, the available evidence is currently insufficient to determine the role of this variant in disease. Therefore, it has been classified as a Variant of Uncertain Significance.

GeneDx
Classification: Uncertain significance. Last evaluated: 2020-05-01. Review status: criteria provided, single submitter. Criteria: GeneDx Variant Classification Process June 2021. Collection method: clinical testing. Allele origin: germline. Affected: yes.
Comment: Has not been previously published as pathogenic or benign to our knowledge; In-frame deletion of 1 amino acids in a non-repeat region; In silico analysis supports that this variant does not alter protein structure/function

NM_001852.4(COL9A2):c.41TCC[1] (p.Leu15del)

Gene: COL9A2 (collagen type IX alpha 2 chain; minus strand). Cytogenetic location: 1p34.2.
Variant type: Microsatellite.
Coding change: c.41TCC[1] on transcript NM_001852.4 (MANE Select); one copy of the 3-base unit TCC starting at c.41; the reference has two copies in a row; one copy, 3 bases deleted.
Protein change: p.Leu15del; deletes leucine 15.
Molecular consequence: inframe deletion.
Genome position (GRCh38, 1-based): chr1:40,317,152-40,317,154, GGA deleted on the plus strand (TCC on the coding strand, the reverse complement: COL9A2 is on the minus strand); deleting any 3 consecutive bases within chr1:40,317,152-40,317,158 gives the same sequence; the position shown is the placement nearest the transcript's 3' end. VCF-style (leftmost placement, unchanged base first): chr1-40317151-TGGA-T. GRCh37 (hg19) VCF-style: chr1-40782823-TGGA-T.
Other names: short protein forms L15del.
Identifiers: ClinVar variation 1016908 (VCV001016908.11), dbSNP rs764658749, ClinGen allele CA792130.
Genomic context (GRCh38, chr1:40,317,151, plus strand): 5'-GACCCTGGCAGCGGAGGGGCTGCGAAACTTACAATCTGCGCCAGAGCGAGCACTACCACC[TGGA>T]GGAGAACAAGGAGGCTGCGGGGGGAGGCCGTAGCGGCGGCCATGGCTGGCGGCGAGACCA-3'